The following is an entry in ClinVar:

NM_017934.7(PHIP):c.2770-5G>T

Genes: IRAK1BP1 (interleukin 1 receptor associated kinase 1 binding protein 1; plus strand), PHIP (PHIP subunit of CUL4-Ring ligase complex; minus strand). Cytogenetic location: 6q14.1.
Variant type: single nucleotide variant.
Coding change: c.2770-5G>T on transcript NM_017934.7 (MANE Select); 5 bases into the intron before coding-DNA position 2770, G replaced by T.
Molecular consequence: intron variant.
Genome position (GRCh38, 1-based): chr6:78,978,716, C>A on the plus strand (G>T on the coding strand, the complement: PHIP is on the minus strand). VCF-style: chr6-78978716-C-A. GRCh37 (hg19) VCF-style: chr6-79688433-C-A.
Identifiers: ClinVar variation 3355788 (VCV003355788.2).

ClinVar aggregate classification (germline): Likely benign. Review status: criteria provided, single submitter (1 of 4 stars). 2 submissions from 2 submitters: Likely benign (1). 1 of the submissions does not count toward it. Last evaluated 2025-05-05.

Conditions:
PHIP-related disorder. Also called: PHIP-related condition; PHIP-related disorders.

gnomAD v4.1: 26 of 1,587,908 alleles (0.0016%); highest among the groups gnomAD compares: Non-Finnish European, 0.0022%; no homozygotes.

Submissions (2):

Labcorp Genetics (formerly Invitae), Labcorp
Classification: Likely benign. Last evaluated: 2025-05-05. Review status: criteria provided, single submitter. Criteria: Invitae Variant Classification Sherloc (09022015). Collection method: clinical testing. Allele origin: germline.

PreventionGenetics, part of Exact Sciences
Classification: Likely benign for PHIP-related condition. Last evaluated: 2023-11-30. Review status: no assertion criteria provided. Collection method: clinical testing. Allele origin: germline. Not counted in ClinVar's aggregate classification.
Comment: This variant is classified as likely benign based on ACMG/AMP sequence variant interpretation guidelines (Richards et al. 2015 PMID: 25741868, with internal and published modifications).